The following is an entry in ClinVar:

NM_017780.4(CHD7):c.2383_2384del (p.Ser794_Val795insTer)

Gene: CHD7 (chromodomain helicase DNA binding protein 7; plus strand). Cytogenetic location: 8q12.2.
Variant type: Deletion.
Coding change: c.2383_2384del on transcript NM_017780.4 (MANE Select); coding-DNA positions 2383 to 2384, 2 bases deleted (GT; older notation c.2383_2384delGT).
Protein change: p.Ser794_Val795insTer.
Molecular consequence: nonsense. On other transcripts: intron variant (1).
Genome position (GRCh38, 1-based): chr8:60,801,534-60,801,535, GT deleted; deleting any 2 consecutive bases within chr8:60,801,533-60,801,535 gives the same sequence; the c. name uses the placement nearest the transcript's 3' end. VCF-style (leftmost placement, unchanged base first): chr8-60801532-CTG-C. GRCh37 (hg19) VCF-style: chr8-61714091-CTG-C.
Other names: c.2383_2384del (LRG_176t1); c.1716+20484_1716+20485del (NM_001316690.1).
Identifiers: ClinVar variation 418785 (VCV000418785.4), dbSNP rs1064793432, ClinGen allele CA16618659.

ClinVar aggregate classification (germline): Pathogenic. Review status: criteria provided, multiple submitters, no conflicts (2 of 4 stars). 2 submissions from 2 submitters: Pathogenic (2). Last evaluated 2024-11-14.

Conditions:
CHARGE syndrome (CHARGE). Also called: Hittner Hirsch Kreh syndrome; CHARGE ASSOCIATION--COLOBOMA, HEART ANOMALY, CHOANAL ATRESIA, RETARDATION, GENITAL AND EAR ANOMALIES; Coloboma, heart anomaly, choanal atresia, retardation, genital and ear anomalies; CHARGE association; Hall-Hittner syndrome. Identifiers: Orphanet 138, MedGen C0265354, MONDO:0008965.

Submissions (2):

Labcorp Genetics (formerly Invitae), Labcorp
Classification: Pathogenic for CHARGE syndrome. Last evaluated: 2024-11-14. Review status: criteria provided, single submitter. Criteria: Invitae Variant Classification Sherloc (09022015). Collection method: clinical testing. Allele origin: germline.
Comment: This sequence change creates a premature translational stop signal (p.Val795*) in the CHD7 gene. It is expected to result in an absent or disrupted protein product. Loss-of-function variants in CHD7 are known to be pathogenic (PMID: 22461308, 25077900). This variant is not present in population databases (gnomAD no frequency). This variant has not been reported in the literature in individuals affected with CHD7-related conditions. ClinVar contains an entry for this variant (Variation ID: 418785). For these reasons, this variant has been classified as Pathogenic.

GeneDx
Classification: Pathogenic. Last evaluated: 2015-04-09. Review status: criteria provided, single submitter. Criteria: GeneDx Variant Classification (06012015). Collection method: clinical testing. Allele origin: germline. Affected: yes.
Comment: The c.2383_2384delGT deletion is predicted to cause loss of normal protein function either throughprotein truncation or nonsense-mediated mRNA decay. The c.2383_2384delGT variant was not observed inapproximately 6,500 individuals of European and African American ancestry in the NHLBI Exome SequencingProject, indicating it is not a common benign variant in these populations. Although this variant has not been previously reported to our knowledge, we consider it to be pathogenic.

Literature cited by the submitters: PubMed 22461308 (cited by Labcorp Genetics (formerly Invitae), Labcorp); PubMed 25077900 (cited by Labcorp Genetics (formerly Invitae), Labcorp).